The following is an entry in ClinVar:

ClinVar aggregate classification (germline): Uncertain significance (1 of 4 stars; one submission).

Conditions:
Glycine encephalopathy. Also called: Nonketotic hyperglycinemia; Non-ketotic hyperglycinemia. Identifiers: Orphanet 407, MedGen C0751748, MONDO:0011612, HP:0008288.

Allele frequency attached by ClinVar (database versions not stated): gnomAD below 0.00001 and 0.00001; gnomAD exomes below 0.00001; ExAC 0.00001.
gnomAD v4.1: 6 of 1,544,660 alleles (0.00039%); highest among the groups gnomAD compares: South Asian, 0.0056%; no homozygotes.

Submission:

Labcorp Genetics (formerly Invitae), Labcorp
Classification: Uncertain significance for Glycine encephalopathy. Last evaluated: 2025-06-09. Review status: criteria provided, single submitter. Criteria: Invitae Variant Classification Sherloc (09022015). Collection method: clinical testing. Allele origin: germline.
Comment: This sequence change falls in intron 9 of the GLDC gene. It does not directly change the encoded amino acid sequence of the GLDC protein. It affects a nucleotide within the consensus splice site. This variant is present in population databases (rs763285478, gnomAD 0.003%). This variant has not been reported in the literature in individuals affected with GLDC-related conditions. ClinVar contains an entry for this variant (Variation ID: 847430). Variants that disrupt the consensus splice site are a relatively common cause of aberrant splicing (PMID: 17576681, 9536098). Algorithms developed to predict the effect of sequence changes on RNA splicing suggest that this variant is not likely to affect RNA splicing. In summary, the available evidence is currently insufficient to determine the role of this variant in disease. Therefore, it has been classified as a Variant of Uncertain Significance.

Literature cited by the submitters: PubMed 17576681; PubMed 9536098.

NM_000170.3(GLDC):c.1261+3G>A

Gene: GLDC (glycine decarboxylase; minus strand). Cytogenetic location: 9p24.1.
Variant type: single nucleotide variant.
Coding change: c.1261+3G>A on transcript NM_000170.3 (MANE Select); 3 bases into the intron after coding-DNA position 1261, G replaced by A.
Molecular consequence: intron variant.
Genome position (GRCh38, 1-based): chr9:6,595,011, C>T on the plus strand (G>A on the coding strand, the complement: GLDC is on the minus strand). VCF-style: chr9-6595011-C-T. GRCh37 (hg19) VCF-style: chr9-6595011-C-T.
Identifiers: ClinVar variation 847430 (VCV000847430.10), dbSNP rs763285478, ClinGen allele CA4980791.